The following is an entry in ClinVar:

ClinVar aggregate classification (germline): Uncertain significance. Review status: criteria provided, multiple submitters, no conflicts (2 of 4 stars). 2 submissions from 2 submitters: Uncertain significance (2). Last evaluated 2024-03-05.

Conditions:
Familial hypobetalipoproteinemia 1. Also called: APOB-Related Familial Hypobetalipoproteinemia; Hypobetalipoproteinemia, normotriglyceridemic; Acanthocytosis with hypobetalipoproteinemia. Identifiers: MedGen C4551990, MONDO:0014252, OMIM 615558.
Hypercholesterolemia, autosomal dominant, type B (FHCL2). Also called: Familial Hypercholesterolemia Type B; APOLIPOPROTEIN B-100, FAMILIAL DEFECTIVE; APOLIPOPROTEIN B-100, FAMILIAL LIGAND-DEFECTIVE; HYPERCHOLESTEROLEMIA, FAMILIAL, DUE TO LIGAND-DEFECTIVE APOLIPOPROTEIN B; Familial hypercholesterolemia 2; Hyperlipoproteinemia Type IIb. Identifiers: MedGen C1704417, MONDO:0007751, OMIM 144010.
Cardiovascular phenotype. Identifiers: MedGen CN230736.

Allele frequency attached by ClinVar (database versions not stated): gnomAD exomes below 0.00001; ExAC 0.00001.
gnomAD v4.1: 4 of 1,614,072 alleles (0.00025%); highest among the groups gnomAD compares: Admixed American, 0.0033%; no homozygotes.

Submissions (2):

Ambry Genetics
Classification: Uncertain significance for Cardiovascular phenotype. Last evaluated: 2024-03-05. Review status: criteria provided, single submitter. Criteria: Ambry Variant Classification Scheme 2023. Collection method: clinical testing. Allele origin: germline.
Comment: The p.K4541Q variant (also known as c.13621A>C), located in coding exon 29 of the APOB gene, results from an A to C substitution at nucleotide position 13621. The lysine at codon 4541 is replaced by glutamine, an amino acid with similar properties. This amino acid position is conserved. In addition, this alteration is predicted to be tolerated by in silico analysis. Based on the available evidence, the clinical significance of this alteration remains unclear.

Labcorp Genetics (formerly Invitae), Labcorp
Classification: Uncertain significance for Familial hypobetalipoproteinemia 1; Hypercholesterolemia, autosomal dominant, type B. Last evaluated: 2020-12-16. Review status: criteria provided, single submitter. Criteria: Invitae Variant Classification Sherloc (09022015). Collection method: clinical testing. Allele origin: germline.
Comment: In summary, the available evidence is currently insufficient to determine the role of this variant in disease. Therefore, it has been classified as a Variant of Uncertain Significance. Algorithms developed to predict the effect of missense changes on protein structure and function (SIFT, PolyPhen-2, Align-GVGD) all suggest that this variant is likely to be tolerated, but these predictions have not been confirmed by published functional studies and their clinical significance is uncertain. This variant has not been reported in the literature in individuals with APOB-related conditions. This variant is present in population databases (rs779964877, ExAC 0.009%). This sequence change replaces lysine with glutamine at codon 4541 of the APOB protein (p.Lys4541Gln). The lysine residue is weakly conserved and there is a small physicochemical difference between lysine and glutamine.

NM_000384.3(APOB):c.13621A>C (p.Lys4541Gln)

Genes: APOB (apolipoprotein B; minus strand), APOB3'MAR (APOB 3' scaffold/matrix attachment region; plus strand). Cytogenetic location: 2p24.1.
Variant type: single nucleotide variant.
Coding change: c.13621A>C on transcript NM_000384.3 (MANE Select); coding-DNA position 13621, A replaced by C.
Protein change: p.Lys4541Gln; replaces lysine 4541 with glutamine.
Molecular consequence: missense variant.
Genome position (GRCh38, 1-based): chr2:21,001,801, T>G on the plus strand (A>C on the coding strand, the complement: APOB is on the minus strand). VCF-style: chr2-21001801-T-G. GRCh37 (hg19) VCF-style: chr2-21224673-T-G.
Other names: c.13621A>C (NM_000384.2); short protein forms K4541Q.
Identifiers: ClinVar variation 1498988 (VCV001498988.9), dbSNP rs779964877, ClinGen allele CA053366.